The following is an entry in ClinVar:

ClinVar aggregate classification (germline): Pathogenic (1 of 4 stars; one submission).

Submission:

Labcorp Genetics (formerly Invitae), Labcorp
Classification: Pathogenic. Last evaluated: 2022-05-21. Review status: criteria provided, single submitter. Criteria: Invitae Variant Classification Sherloc (09022015). Collection method: clinical testing. Allele origin: germline.
Comment: For these reasons, this variant has been classified as Pathogenic. This variant has not been reported in the literature in individuals affected with XPC-related conditions. This variant is a gross deletion of the genomic region encompassing exon(s) 1-2 of the XPC gene, which includes the initiator codon. This deletion extends beyond the assayed region for this gene and therefore may encompass additional genes. It is expected to result in an absent or disrupted protein product. Loss-of-function variants in XPC are known to be pathogenic (PMID: 23173980, 25256075).

Literature cited by the submitters: PubMed 23173980; PubMed 25256075.

NC_000003.11:g.(?_14214357)_(14220439_?)del

Genes: LSM3 (LSM3 homolog, U6 small nuclear RNA and mRNA degradation associated; plus strand), XPC (XPC complex subunit, DNA damage recognition and repair factor; minus strand). Cytogenetic location: 3p25.1.
Variant type: Deletion.
Identifiers: ClinVar variation 2425188 (VCV002425188.4).